The following is an entry in ClinVar:

NM_000051.4(ATM):c.2251-19T>A

Gene: ATM (ATM serine/threonine kinase; plus strand). Cytogenetic location: 11q22.3.
Variant type: single nucleotide variant.
Coding change: c.2251-19T>A on transcript NM_000051.4 (MANE Select); 19 bases into the intron before coding-DNA position 2251, T replaced by A.
Molecular consequence: intron variant.
Genome position (GRCh38, 1-based): chr11:108,257,462, T>A. VCF-style: chr11-108257462-T-A. GRCh37 (hg19) VCF-style: chr11-108128189-T-A.
Other names: c.2251-19T>A (NM_001351834.2).
Identifiers: ClinVar variation 4722826 (VCV004722826.1).
Genomic context (GRCh38, chr11:108,257,462, plus strand): 5'-AGATCAAAGTACACTGTAAAAAGCAATACTAAACTATAATTTTAACTGGAATTTGCATTT[T>A]TCCTTCTATTCACAATAGTCTCTAATGCAATGTGCAGGAGAAAGTATCACTCTGTTTAAA-3'

ClinVar aggregate classification (germline): Uncertain significance (1 of 4 stars; one submission).

Conditions:
Ataxia-telangiectasia syndrome (AT). Also called: ATAXIA-TELANGIECTASIA, COMPLEMENTATION GROUP A; ATAXIA-TELANGIECTASIA, FRESNO VARIANT; Ataxia-telangiectasia; LOUIS-BAR SYNDROME; Cerebello-oculocutaneous telangiectasia; Immunodeficiency with ataxia telangiectasia. Identifiers: Orphanet 100, MedGen C0004135, MONDO:0008840, OMIM 208900.

Submission:

Labcorp Genetics (formerly Invitae), Labcorp
Classification: Uncertain significance for Ataxia-telangiectasia syndrome. Last evaluated: 2025-07-08. Review status: criteria provided, single submitter. Criteria: Invitae Variant Classification Sherloc (09022015). Collection method: clinical testing. Allele origin: germline.
Comment: This sequence change falls in intron 14 of the ATM gene. It does not directly change the encoded amino acid sequence of the ATM protein. This variant is not present in population databases (gnomAD no frequency). This variant has not been reported in the literature in individuals affected with ATM-related conditions. Studies have shown that this variant is associated with inconclusive levels of altered splicing (internal data). In summary, the available evidence is currently insufficient to determine the role of this variant in disease. Therefore, it has been classified as a Variant of Uncertain Significance.